The following is an entry in ClinVar:

NM_020754.4(ARHGAP31):c.1345A>G (p.Lys449Glu)

Gene: ARHGAP31 (Rho GTPase activating protein 31; plus strand). Cytogenetic location: 3q13.33.
Variant type: single nucleotide variant.
Coding change: c.1345A>G on transcript NM_020754.4 (MANE Select); coding-DNA position 1345, A replaced by G.
Protein change: p.Lys449Glu; replaces lysine 449 with glutamic acid.
Molecular consequence: missense variant.
Genome position (GRCh38, 1-based): chr3:119,402,097, A>G. VCF-style: chr3-119402097-A-G. GRCh37 (hg19) VCF-style: chr3-119120944-A-G.
Other names: short protein forms K449E.
Identifiers: ClinVar variation 2186141 (VCV002186141.7), dbSNP rs755685725, ClinGen allele CA2553806.

ClinVar aggregate classification (germline): Uncertain significance. Review status: criteria provided, multiple submitters, no conflicts (2 of 4 stars). 2 submissions from 2 submitters: Uncertain significance (2). Last evaluated 2022-07-19.

Conditions:
Adams-Oliver syndrome 1 (AOS1). Also called: CONGENITAL SCALP DEFECTS WITH DISTAL LIMB REDUCTION ANOMALIES; ABSENCE DEFECT OF LIMBS, SCALP, AND SKULL; APLASIA CUTIS CONGENITA WITH TERMINAL TRANSVERSE LIMB DEFECTS. Identifiers: Orphanet 974, MedGen C4551482, MONDO:0024506, OMIM 100300.

Allele frequency attached by ClinVar (database versions not stated): gnomAD 0.00001; ExAC 0.00002.
gnomAD v4.1: 23 of 1,614,060 alleles (0.0014%); highest among the groups gnomAD compares: East Asian, 0.0045%; no homozygotes.

Submissions (2):

Labcorp Genetics (formerly Invitae), Labcorp
Classification: Uncertain significance. Last evaluated: 2022-07-19. Review status: criteria provided, single submitter. Criteria: Invitae Variant Classification Sherloc (09022015). Collection method: clinical testing. Allele origin: germline.
Comment: In summary, the available evidence is currently insufficient to determine the role of this variant in disease. Therefore, it has been classified as a Variant of Uncertain Significance. Algorithms developed to predict the effect of missense changes on protein structure and function are either unavailable or do not agree on the potential impact of this missense change (SIFT: "Tolerated"; PolyPhen-2: "Probably Damaging"; Align-GVGD: "Class C0"). This variant has not been reported in the literature in individuals affected with ARHGAP31-related conditions. This variant is present in population databases (rs755685725, gnomAD 0.01%). This sequence change replaces lysine, which is basic and polar, with glutamic acid, which is acidic and polar, at codon 449 of the ARHGAP31 protein (p.Lys449Glu).

Revvity Omics, Revvity
Classification: Uncertain significance for Adams-Oliver syndrome 1. Last evaluated: 2021-03-09. Review status: criteria provided, single submitter. Criteria: ACMG Guidelines, 2015. Collection method: clinical testing. Allele origin: germline.